The following is an entry in ClinVar:

NM_007325.5(GRIA3):c.2258T>A (p.Met753Lys)

Gene: GRIA3 (glutamate ionotropic receptor AMPA type subunit 3; plus strand). Cytogenetic location: Xq25.
Variant type: single nucleotide variant.
Coding change: c.2258T>A on transcript NM_007325.5 (MANE Select); coding-DNA position 2258, T replaced by A.
Protein change: p.Met753Lys; replaces methionine 753 with lysine.
Molecular consequence: missense variant.
Genome position (GRCh38, 1-based): chrX:123,465,046, T>A. VCF-style: chrX-123465046-T-A. GRCh37 (hg19) VCF-style: chrX-122598897-T-A.
Other names: c.2258T>A, p.Met753Lys (NM_000828.5); short protein forms M753K.
Identifiers: ClinVar variation 3381930 (VCV003381930.2).

ClinVar aggregate classification (germline): Uncertain significance (1 of 4 stars; one submission).

Conditions:
Syndromic X-linked intellectual disability 94 (MRXSW). Also called: X-linked intellectual disability due to GRIA3 anomalies; MENTAL RETARDATION, X-LINKED, SYNDROMIC 29. Identifiers: Orphanet 364028, MedGen C2678051, MONDO:0010402, OMIM 300699.

Submission:

Juno Genomics, Hangzhou Juno Genomics, Inc
Classification: Uncertain significance for Syndromic X-linked intellectual disability 94. Review status: criteria provided, single submitter. Criteria: ACMG Guidelines, 2015. Collection method: clinical testing. Allele origin: germline. Affected: yes.
Comment: Absent from controls (or at extremely low frequency if recessive) in Genome Aggregation Database, Exome Sequencing Project, 1000 Genomes Project, or Exome Aggregation Consortium.;Multiple lines of computational evidence support a deleterious effect on the gene or gene product (conservation, evolutionary, splicing impact, etc).;Missense variant in a gene that has a low rate of benign missense variation and where missense variants are a common mechanism of disease.